The following is an entry in ClinVar:

NM_002519.3(NPAT):c.4029T>G (p.Ile1343Met)

Gene: NPAT (nuclear protein, coactivator of histone transcription; minus strand). Cytogenetic location: 11q22.3.
Variant type: single nucleotide variant.
Coding change: c.4029T>G on transcript NM_002519.3 (MANE Select); coding-DNA position 4029, T replaced by G.
Protein change: p.Ile1343Met; replaces isoleucine 1343 with methionine.
Molecular consequence: missense variant.
Genome position (GRCh38, 1-based): chr11:108,161,057, A>C on the plus strand (T>G on the coding strand, the complement: NPAT is on the minus strand). VCF-style: chr11-108161057-A-C. GRCh37 (hg19) VCF-style: chr11-108031784-A-C.
Other names: c.4050T>G, p.Ile1350Met (NM_001321307.1); short protein forms I1343M, I1350M.
Identifiers: ClinVar variation 3222612 (VCV003222612.1), dbSNP rs2496693575, ClinGen allele CA382509517.

ClinVar aggregate classification (germline): Uncertain significance (1 of 4 stars; one submission).

Submission:

Ambry Genetics
Classification: Uncertain significance. Last evaluated: 2024-02-22. Review status: criteria provided, single submitter. Criteria: Ambry Variant Classification Scheme 2023. Collection method: clinical testing. Allele origin: germline.
Comment: The p.I1343M variant (also known as c.4029T>G), located in coding exon 17 of the NPAT gene, results from a T to G substitution at nucleotide position 4029. The isoleucine at codon 1343 is replaced by methionine, an amino acid with highly similar properties. This amino acid position is conserved. In addition, this alteration is predicted to be tolerated by in silico analysis. Based on the available evidence, the clinical significance of this alteration remains unclear.